The following is an entry in ClinVar:

ClinVar aggregate classification (germline): Uncertain significance (1 of 4 stars; one submission).

Conditions:
Glanzmann thrombasthenia. Also called: Glanzmann's thrombasthenia; BLEEDING DISORDER, PLATELET-TYPE, 2; THROMBASTHENIA OF GLANZMANN AND NAEGELI; Thrombasthenia; PLATELET GLYCOPROTEIN IIb-IIIa DEFICIENCY. Identifiers: Orphanet 849, MedGen C0040015, MONDO:0100326.

gnomAD v4.1: 4 of 1,613,742 alleles (0.00025%); highest among the groups gnomAD compares: Non-Finnish European, 0.00025%; no homozygotes.

Submission:

Labcorp Genetics (formerly Invitae), Labcorp
Classification: Uncertain significance for Glanzmann thrombasthenia. Last evaluated: 2023-03-20. Review status: criteria provided, single submitter. Criteria: Invitae Variant Classification Sherloc (09022015). Collection method: clinical testing. Allele origin: germline.
Comment: This sequence change falls in intron 10 of the ITGA2B gene. It does not directly change the encoded amino acid sequence of the ITGA2B protein. It affects a nucleotide within the consensus splice site. This variant is not present in population databases (gnomAD no frequency). This variant has not been reported in the literature in individuals affected with ITGA2B-related conditions. Variants that disrupt the consensus splice site are a relatively common cause of aberrant splicing (PMID: 17576681, 9536098). Algorithms developed to predict the effect of sequence changes on RNA splicing suggest that this variant is not likely to affect RNA splicing. In summary, the available evidence is currently insufficient to determine the role of this variant in disease. Therefore, it has been classified as a Variant of Uncertain Significance.

Literature cited by the submitters: PubMed 17576681; PubMed 9536098.

NM_000419.5(ITGA2B):c.945+6G>A

Gene: ITGA2B (integrin subunit alpha 2b; minus strand). Cytogenetic location: 17q21.31.
Variant type: single nucleotide variant.
Coding change: c.945+6G>A on transcript NM_000419.5 (MANE Select); 6 bases into the intron after coding-DNA position 945, G replaced by A.
Molecular consequence: intron variant.
Genome position (GRCh38, 1-based): chr17:44,384,079, C>T on the plus strand (G>A on the coding strand, the complement: ITGA2B is on the minus strand). VCF-style: chr17-44384079-C-T. GRCh37 (hg19) VCF-style: chr17-42461447-C-T.
Identifiers: ClinVar variation 2887879 (VCV002887879.3), dbSNP rs1033042371, ClinGen allele CA913012384.